The following is an entry in ClinVar:

ClinVar aggregate classification (germline): Likely benign (1 of 4 stars; one submission).

Conditions:
GP1BA-related disorder. Also called: GP1BA-related condition.

Submission:

PreventionGenetics, part of Exact Sciences
Classification: Likely benign for GP1BA-related condition. Last evaluated: 2026-07-08. Review status: criteria provided, single submitter. Criteria: ACMG Guidelines, 2015. Collection method: clinical testing. Allele origin: germline.
Comment: This variant is classified as likely benign based on ACMG/AMP sequence variant interpretation guidelines (Richards et al. 2015 PMID: 25741868, with internal and published modifications).

NM_000173.7(GP1BA):c.306C>T (p.His102=)

Gene: GP1BA (glycoprotein Ib platelet subunit alpha; plus strand). Cytogenetic location: 17p13.2.
Variant type: single nucleotide variant.
Coding change: c.306C>T on transcript NM_000173.7 (MANE Select); coding-DNA position 306, C replaced by T.
Protein change: p.His102=; no amino-acid change (histidine 102 retained).
Molecular consequence: synonymous variant.
Genome position (GRCh38, 1-based): chr17:4,932,910, C>T. VCF-style: chr17-4932910-C-T. GRCh37 (hg19) VCF-style: chr17-4836205-C-T.
Identifiers: ClinVar variation 4981111 (VCV004981111.1).